The following is an entry in ClinVar:

ClinVar aggregate classification (germline): Likely benign. Review status: criteria provided, multiple submitters, no conflicts (2 of 4 stars). 6 submissions from 6 submitters: Likely benign (5). 1 of the submissions does not count toward it. Last evaluated 2026-06-01.

Conditions:
GEMIN4-related disorder. Also called: GEMIN4-related condition.

Allele frequency attached by ClinVar (database versions not stated): gnomAD 0.00373; TOPMed 0.00453; 1000 Genomes Project 0.00559; ESP Exome Variant Server 0.00561; 1000 Genomes Project 30x 0.00609.
gnomAD v4.1: 9,340 of 1,613,750 alleles (0.58%); highest among the groups gnomAD compares: Middle Eastern, 1.2%; 37 homozygotes.

Submissions (6):

CeGaT Center for Human Genetics Tuebingen
Classification: Likely benign. Last evaluated: 2026-06-01. Review status: criteria provided, single submitter. Criteria: CeGaT Center For Human Genetics Tuebingen Variant Classification Criteria Version 2. Collection method: clinical testing. Allele origin: germline. Affected: yes. Observed: 14 variant alleles.
Comment: GEMIN4: BP4, BS2

Genomic Medicine Center of Excellence, King Faisal Specialist Hospital and Research Centre
Classification: Likely benign. Last evaluated: 2025-08-18. Review status: criteria provided, single submitter. Criteria: ACMG Guidelines, 2015. Collection method: clinical testing. Allele origin: germline.

Blueprint Genetics
Classification: Likely benign. Last evaluated: 2024-11-25. Review status: criteria provided, single submitter. Criteria: ACMG Guidelines, 2015. Collection method: clinical testing. Allele origin: germline.

Labcorp Genetics (formerly Invitae), Labcorp
Classification: Likely benign. Last evaluated: 2019-12-31. Review status: criteria provided, single submitter. Criteria: Invitae Variant Classification Sherloc (09022015). Collection method: clinical testing. Allele origin: germline.

Breakthrough Genomics
Classification: Likely benign. Review status: criteria provided, single submitter. Criteria: ACMG Guidelines, 2015. Collection method: not provided. Allele origin: germline. Inheritance: Autosomal recessive inheritance. Affected: yes.

PreventionGenetics, part of Exact Sciences
Classification: Likely benign for GEMIN4-related condition. Last evaluated: 2019-06-25. Review status: no assertion criteria provided. Collection method: clinical testing. Allele origin: germline. Not counted in ClinVar's aggregate classification.
Comment: This variant is classified as likely benign based on ACMG/AMP sequence variant interpretation guidelines (Richards et al. 2015 PMID: 25741868, with internal and published modifications).

NM_015721.3(GEMIN4):c.1712A>G (p.Asn571Ser)

Gene: GEMIN4 (gem nuclear organelle associated protein 4; minus strand). Cytogenetic location: 17p13.3.
Variant type: single nucleotide variant.
Coding change: c.1712A>G on transcript NM_015721.3 (MANE Select); coding-DNA position 1712, A replaced by G.
Protein change: p.Asn571Ser; replaces asparagine 571 with serine.
Molecular consequence: missense variant.
Genome position (GRCh38, 1-based): chr17:746,331, T>C on the plus strand (A>G on the coding strand, the complement: GEMIN4 is on the minus strand). VCF-style: chr17-746331-T-C. GRCh37 (hg19) VCF-style: chr17-649571-T-C.
Other names: short protein forms N571S.
Identifiers: ClinVar variation 771202 (VCV000771202.39), dbSNP rs111822058, ClinGen allele CA8262573.